The following is an entry in ClinVar:

ClinVar aggregate classification (germline): Uncertain significance. Review status: criteria provided, multiple submitters, no conflicts (2 of 4 stars). 2 submissions from 2 submitters: Uncertain significance (2). Last evaluated 2026-09-04.

Conditions:
Gastrointestinal stromal tumor. Also called: Gastrointestinal stroma tumor; Gastrointestinal stromal tumor, somatic. Identifiers: Orphanet 44890, MedGen C0238198, MeSH D046152, MONDO:0011719, OMIM 606764, HP:0100723.
Hereditary cancer-predisposing syndrome. Also called: Hereditary Cancer Syndrome; Hereditary neoplastic syndrome; Neoplastic Syndromes, Hereditary; Tumor predisposition. Identifiers: Orphanet 140162, MedGen C0027672, MeSH D009386, MONDO:0015356.

Submissions (2):

Ambry Genetics
Classification: Uncertain significance for Hereditary cancer-predisposing syndrome. Last evaluated: 2026-09-04. Review status: criteria provided, single submitter. Criteria: Ambry Variant Classification Scheme 2023. Collection method: clinical testing. Allele origin: germline.
Comment: The p.P577S variant (also known as c.1729C>T), located in coding exon 11 of the KIT gene, results from a C to T substitution at nucleotide position 1729. The proline at codon 577 is replaced by serine, an amino acid with similar properties. This amino acid position is highly conserved in available vertebrate species. In addition, this alteration is predicted to be deleterious by in silico analysis. Based on the available evidence, the clinical significance of this variant remains unclear.

Labcorp Genetics (formerly Invitae), Labcorp
Classification: Uncertain significance for Gastrointestinal stromal tumor. Last evaluated: 2023-09-22. Review status: criteria provided, single submitter. Criteria: Invitae Variant Classification Sherloc (09022015). Collection method: clinical testing. Allele origin: germline.
Comment: This variant has not been reported in the literature in individuals affected with KIT-related conditions. In summary, the available evidence is currently insufficient to determine the role of this variant in disease. Therefore, it has been classified as a Variant of Uncertain Significance. An algorithm developed to predict the effect of missense changes on protein structure and function (PolyPhen-2) suggests that this variant is likely to be disruptive. This variant is not present in population databases (gnomAD no frequency). This sequence change replaces proline, which is neutral and non-polar, with serine, which is neutral and polar, at codon 577 of the KIT protein (p.Pro577Ser).

NM_000222.3(KIT):c.1729C>T (p.Pro577Ser)

Gene: KIT (KIT proto-oncogene, receptor tyrosine kinase; plus strand). Cytogenetic location: 4q12.
Variant type: single nucleotide variant.
Coding change: c.1729C>T on transcript NM_000222.3 (MANE Select); coding-DNA position 1729, C replaced by T.
Protein change: p.Pro577Ser; replaces proline 577 with serine.
Molecular consequence: missense variant.
Genome position (GRCh38, 1-based): chr4:54,727,497, C>T. VCF-style: chr4-54727497-C-T. GRCh37 (hg19) VCF-style: chr4-55593663-C-T.
Other names: c.1717C>T, p.Pro573Ser (NM_001093772.2, NM_001385286.1); c.1732C>T, p.Pro578Ser (NM_001385284.1, NM_001385290.1); c.1729C>T, p.Pro577Ser (NM_001385285.1); c.1720C>T, p.Pro574Ser (NM_001385288.1, NM_001385292.1); short protein forms P573S, P577S, P578S, P574S.
Identifiers: ClinVar variation 2762765 (VCV002762765.4), dbSNP rs2109777043, ClinGen allele CA356907580.
Genomic context (GRCh38, chr4:54,727,497, plus strand): 5'-TGGAAGGTTGTTGAGGAGATAAATGGAAACAATTATGTTTACATAGACCCAACACAACTT[C>T]CTTATGATCACAAATGGGAGTTTCCCAGAAACAGGCTGAGTTTTGGTCAGTATGAAACAG-3'
Protein context (NP_000213.1, residues 567-587): NYVYIDPTQL[Pro577Ser]YDHKWEFPRN